The following is an entry in ClinVar:

NM_001369.3(DNAH5):c.4893_4894insCACTCAGCAGCACGACGAT (p.Trp1632fs)

Genes: DNAH5 (dynein axonemal heavy chain 5; minus strand), LOC126807318 (MED14-independent group 3 enhancer GRCh37_chr5:13858976-13860175; plus strand). Cytogenetic location: 5p15.2.
Variant type: Insertion.
Coding change: c.4893_4894insCACTCAGCAGCACGACGAT on transcript NM_001369.3 (MANE Select); coding-DNA positions 4893 to 4894, CACTCAGCAGCACGACGAT inserted.
Protein change: p.Trp1632fs; shifts the reading frame from tryptophan 1632.
Molecular consequence: frameshift variant.
Genome position: GRCh38 VCF-style: chr5-13859508-A-AATCGTCGTGCTGCTGAGTG. GRCh37 (hg19) VCF-style: chr5-13859617-A-AATCGTCGTGCTGCTGAGTG.
Other names: short protein forms W1632fs.
Identifiers: ClinVar variation 5011071 (VCV005011071.1).

ClinVar aggregate classification (germline): Pathogenic (1 of 4 stars; one submission).

Conditions:
Primary ciliary dyskinesia 3. Identifiers: Orphanet 244, MedGen C1837618, MONDO:0012085, OMIM 608644.

Submission:

Myriad Genetics, Inc.
Classification: Pathogenic for Primary ciliary dyskinesia 3. Last evaluated: 2024-05-14. Review status: criteria provided, single submitter. Criteria: Myriad Autosomal Dominant, Autosomal Recessive and X-Linked Classification Criteria (2023). Collection method: clinical testing. Allele origin: unknown.
Comment: NM_001369.2(DNAH5):c.4893_4894ins19(W1632Hfs*32) is expected to be pathogenic in the context of primary ciliary dyskinesia, DNAH5-related. This variant is predicted to lead to an abnormal or absent protein product due to the creation of a premature termination codon in DNAH5, a gene where loss-of-function variants are known to be pathogenic. Please note: this variant was assessed in the context of healthy population screening.